The following is an entry in ClinVar:

ClinVar aggregate classification (germline): Uncertain significance. Review status: criteria provided, multiple submitters, no conflicts (2 of 4 stars). 2 submissions from 2 submitters: Uncertain significance (2). Last evaluated 2021-09-16.

Conditions:
Inborn genetic diseases. Identifiers: MedGen C0950123, MeSH D030342.

Allele frequency attached by ClinVar (database versions not stated): TOPMed 0.00002; gnomAD 0.00001.
gnomAD v4.1: 3 of 1,612,952 alleles (0.00019%); highest among the groups gnomAD compares: Non-Finnish European, 0.00025%; no homozygotes.

Submissions (2):

Ambry Genetics
Classification: Uncertain significance for Inborn genetic diseases. Last evaluated: 2021-09-16. Review status: criteria provided, single submitter. Criteria: Ambry Variant Classification Scheme 2023. Collection method: clinical testing. Allele origin: germline.

Labcorp Genetics (formerly Invitae), Labcorp
Classification: Uncertain significance. Last evaluated: 2021-09-06. Review status: criteria provided, single submitter. Criteria: Invitae Variant Classification Sherloc (09022015). Collection method: clinical testing. Allele origin: germline.
Comment: This sequence change replaces histidine with glutamine at codon 218 of the SEC61A1 protein (p.His218Gln). The histidine residue is highly conserved and there is a small physicochemical difference between histidine and glutamine. This variant is not present in population databases (ExAC no frequency). This variant has not been reported in the literature in individuals affected with SEC61A1-related conditions. Algorithms developed to predict the effect of missense changes on protein structure and function are either unavailable or do not agree on the potential impact of this missense change (SIFT: "Deleterious"; PolyPhen-2: "Possibly Damaging"; Align-GVGD: "Class C0"). In summary, the available evidence is currently insufficient to determine the role of this variant in disease. Therefore, it has been classified as a Variant of Uncertain Significance.

NM_013336.4(SEC61A1):c.654T>A (p.His218Gln)

Genes: RUVBL1 (RuvB like AAA ATPase 1; minus strand), SEC61A1 (SEC61 translocon subunit alpha 1; plus strand). Cytogenetic location: 3q21.3.
Variant type: single nucleotide variant.
Coding change: c.654T>A on transcript NM_013336.4 (MANE Select); coding-DNA position 654, T replaced by A.
Protein change: p.His218Gln; replaces histidine 218 with glutamine.
Molecular consequence: missense variant. On other transcripts: 3 prime UTR variant (1).
Genome position (GRCh38, 1-based): chr3:128,064,914, T>A. VCF-style: chr3-128064914-T-A. GRCh37 (hg19) VCF-style: chr3-127783757-T-A.
Other names: c.672T>A, p.His224Gln (NM_001400328.1); c.495T>A, p.His165Gln (NM_001400329.1); c.*298A>T (NM_001319086.1); short protein forms H218Q, H165Q, H224Q.
Identifiers: ClinVar variation 1395846 (VCV001395846.46), dbSNP rs1214247056, ClinGen allele CA354397469.
Genomic context (GRCh38, chr3:128,064,914, plus strand): 5'-TATGTCTCCTCCTCTGCCAACAGGAATGGAATTTGAAGGTGCTATCATCGCACTTTTCCA[T>A]CTGCTGGCCACACGCACAGACAAGGTCCGAGCCCTTCGGGAGGCGTTCTACCGCCAGAAT-3'
Protein context (NP_037468.1, residues 208-228): EFEGAIIALF[His218Gln]LLATRTDKVR